The following is an entry in ClinVar:

NM_025137.4(SPG11):c.3332T>G (p.Val1111Gly)

Gene: SPG11 (SPG11 vesicle trafficking associated, spatacsin; minus strand). Cytogenetic location: 15q21.1.
Variant type: single nucleotide variant.
Coding change: c.3332T>G on transcript NM_025137.4 (MANE Select); coding-DNA position 3332, T replaced by G.
Protein change: p.Val1111Gly; replaces valine 1111 with glycine.
Molecular consequence: missense variant.
Genome position (GRCh38, 1-based): chr15:44,608,565, A>C on the plus strand (T>G on the coding strand, the complement: SPG11 is on the minus strand). VCF-style: chr15-44608565-A-C. GRCh37 (hg19) VCF-style: chr15-44900763-A-C.
Other names: c.3332T>G, p.Val1111Gly (NM_001160227.2, NM_001411132.1); short protein forms V1111G.
Identifiers: ClinVar variation 3897021 (VCV003897021.1).

ClinVar aggregate classification (germline): Uncertain significance (1 of 4 stars; one submission).

Conditions:
Amyotrophic lateral sclerosis type 5 (ALS5). Also called: AMYOTROPHIC LATERAL SCLEROSIS 5, JUVENILE. Identifiers: Orphanet 300605, MedGen C1865864, MONDO:0011196, OMIM 602099.

gnomAD v4.1: 1 of 1,614,116 alleles (0.000062%); highest among the groups gnomAD compares: African/African-American, 0.0013%; no homozygotes.

Submission:

Kariminejad - Najmabadi Pathology & Genetics Center
Classification: Uncertain significance for Amyotrophic lateral sclerosis type 5. Last evaluated: 2024-01-09. Review status: criteria provided, single submitter. Criteria: ACMG Guidelines, 2015. Collection method: clinical testing. Allele origin: germline. Inheritance: Autosomal recessive inheritance. Affected: yes.
Comment: PM2